The following is an entry in ClinVar:

ClinVar aggregate classification (germline): Uncertain significance (1 of 4 stars; one submission).

Submission:

Genetic Services Laboratory, University of Chicago
Classification: Uncertain significance. Last evaluated: 2023-05-09. Review status: criteria provided, single submitter. Criteria: ACMG Guidelines, 2015. Collection method: clinical testing. Allele origin: germline. Affected: no.
Comment: DNA sequence analysis of the PAX4 gene demonstrated a sequence change, c.452C>G, in exon 5 that results in an amino acid change, p.Ala151Gly. This sequence change does not appear to have been previously described in individuals with PAX4-related disorders and has also not been described in population databases such as ExAC and gnomAD. The p.Ala151Gly change affects a moderately conserved amino acid residue located in a domain of the PAX4 protein that is not known to be functional. In-silico pathogenicity prediction tools (SIFT, Align GVGD, REVEL) provide contradictory results for the p.Ala151Gly substitution. Due to insufficient evidence and the lack of functional studies, the clinical significance of the p.Ala151Gly change remains unknown at this time.

NM_001366110.1(PAX4):c.452C>G (p.Ala151Gly)

Gene: PAX4 (paired box 4; minus strand). Cytogenetic location: 7q32.1.
Variant type: single nucleotide variant.
Coding change: c.452C>G on transcript NM_001366110.1 (MANE Select); coding-DNA position 452, C replaced by G.
Protein change: p.Ala151Gly; replaces alanine 151 with glycine.
Molecular consequence: missense variant.
Genome position (GRCh38, 1-based): chr7:127,613,866, G>C on the plus strand (C>G on the coding strand, the complement: PAX4 is on the minus strand). VCF-style: chr7-127613866-G-C. GRCh37 (hg19) VCF-style: chr7-127253920-G-C.
Other names: c.452C>G, p.Ala151Gly (NM_001366111.1); short protein forms A151G.
Identifiers: ClinVar variation 4082476 (VCV004082476.2).